The following is an entry in ClinVar:

ClinVar aggregate classification (germline): Uncertain significance. Review status: criteria provided, multiple submitters, no conflicts (2 of 4 stars). 2 submissions from 2 submitters: Uncertain significance (2). Last evaluated 2023-09-09.

Conditions:
Neurodevelopmental disorder with or without anomalies of the brain, eye, or heart (NEDBEH). Identifiers: Orphanet 494344, MedGen C5567477, MONDO:0014857, OMIM 616975.

Allele frequency attached by ClinVar (database versions not stated): ExAC 0.00001; gnomAD 0.00001; gnomAD exomes 0.00001; TOPMed 0.00001.
gnomAD v4.1: 9 of 1,613,832 alleles (0.00056%); highest among the groups gnomAD compares: South Asian, 0.0044%; no homozygotes.

Submissions (2):

Labcorp Genetics (formerly Invitae), Labcorp
Classification: Uncertain significance. Last evaluated: 2023-09-09. Review status: criteria provided, single submitter. Criteria: Invitae Variant Classification Sherloc (09022015). Collection method: clinical testing. Allele origin: germline.
Comment: This variant is present in population databases (rs762635516, gnomAD 0.003%). This sequence change replaces lysine, which is basic and polar, with glutamine, which is neutral and polar, at codon 590 of the RERE protein (p.Lys590Gln). This variant has not been reported in the literature in individuals affected with RERE-related conditions. In summary, the available evidence is currently insufficient to determine the role of this variant in disease. Therefore, it has been classified as a Variant of Uncertain Significance. Advanced modeling of protein sequence and biophysical properties (such as structural, functional, and spatial information, amino acid conservation, physicochemical variation, residue mobility, and thermodynamic stability) has been performed at Invitae for this missense variant, however the output from this modeling did not meet the statistical confidence thresholds required to predict the impact of this variant on RERE protein function. ClinVar contains an entry for this variant (Variation ID: 978162).

New York Genome Center
Classification: Uncertain significance for Neurodevelopmental disorder with or without anomalies of the brain, eye, or heart. Last evaluated: 2020-02-26. Review status: criteria provided, single submitter. Criteria: NYGC Assertion Criteria 2020. Collection method: clinical testing. Allele origin: germline. Observed: 1 heterozygote. Study: CSER-NYCKidSeq.
Comment: The c.1768A>C, p.Lys590Gln missense variant identified in the RERE gene has not been reported in affected individuals in the literature. The variant has 0.000008 allele frequency in the gnomAD database (2 out of 249,530 heterozygous alleles) indicating it is an extremely rare allele in the general population. The affected Lys590 residue is highly conserved among vertebrates and is predicted deleterious by multiple in silico prediction tools. Based on the current evidence, the p.Lys590Gln variant in the RERE gene is assessed as a variant of uncertain significance.

NM_001042681.2(RERE):c.1768A>C (p.Lys590Gln)

Gene: RERE (arginine-glutamic acid dipeptide repeats; minus strand). Cytogenetic location: 1p36.23.
Variant type: single nucleotide variant.
Coding change: c.1768A>C on transcript NM_001042681.2 (MANE Select); coding-DNA position 1768, A replaced by C.
Protein change: p.Lys590Gln; replaces lysine 590 with glutamine.
Molecular consequence: missense variant.
Genome position (GRCh38, 1-based): chr1:8,362,817, T>G on the plus strand (A>C on the coding strand, the complement: RERE is on the minus strand). VCF-style: chr1-8362817-T-G. GRCh37 (hg19) VCF-style: chr1-8422877-T-G.
Other names: c.106A>C, p.Lys36Gln (NM_001042682.2); c.1768A>C, p.Lys590Gln (NM_012102.4); short protein forms K36Q, K590Q.
Identifiers: ClinVar variation 978162 (VCV000978162.5), dbSNP rs762635516, ClinGen allele CA571550.